The following is an entry in ClinVar:

ClinVar aggregate classification (germline): Uncertain significance. Review status: criteria provided, multiple submitters, no conflicts (2 of 4 stars). 4 submissions from 4 submitters: Uncertain significance (4). Last evaluated 2025-05-22.

Conditions:
Catecholaminergic polymorphic ventricular tachycardia 1. Also called: VENTRICULAR TACHYCARDIA, CATECHOLAMINERGIC POLYMORPHIC, 1, WITH OR WITHOUT ATRIAL DYSFUNCTION AND/OR DILATED CARDIOMYOPATHY; RYR2-Related Catecholaminergic Polymorphic Ventricular Tachycardia; VENTRICULAR TACHYCARDIA, STRESS-INDUCED POLYMORPHIC 1. Identifiers: Orphanet 3286, MedGen C1631597, MONDO:0011484, OMIM 604772.
Catecholaminergic polymorphic ventricular tachycardia (CVPT). Also called: Catecholamine-induced polymorphic ventricular tachycardia. Identifiers: Orphanet 3286, MedGen C5574922, MONDO:0017990.
Cardiomyopathy (CMYO). Also called: Cardiomyopathies. Identifiers: Orphanet 167848, MedGen C0878544, MONDO:0004994, HP:0001638. Inheritance: Various modes of inheritance.

Allele frequency attached by ClinVar (database versions not stated): gnomAD exomes below 0.00001 and 0.00001; gnomAD 0.00001; TOPMed 0.00001; ExAC 0.00002.
gnomAD v4.1: 4 of 1,411,822 alleles (0.00028%); highest among the groups gnomAD compares: Admixed American, 0.0057%; no homozygotes.

Submissions (4):

Labcorp Genetics (formerly Invitae), Labcorp
Classification: Uncertain significance for Catecholaminergic polymorphic ventricular tachycardia 1. Last evaluated: 2025-05-22. Review status: criteria provided, single submitter. Criteria: Invitae Variant Classification Sherloc (09022015). Collection method: clinical testing. Allele origin: germline.
Comment: This sequence change falls in intron 65 of the RYR2 gene. It does not directly change the encoded amino acid sequence of the RYR2 protein. It affects a nucleotide within the consensus splice site. This variant is present in population databases (rs767212566, gnomAD 0.008%). This variant has not been reported in the literature in individuals affected with RYR2-related conditions. ClinVar contains an entry for this variant (Variation ID: 918381). Variants that disrupt the consensus splice site are a relatively common cause of aberrant splicing (PMID: 17576681, 9536098). Algorithms developed to predict the effect of sequence changes on RNA splicing suggest that this variant may disrupt the consensus splice site. In summary, the available evidence is currently insufficient to determine the role of this variant in disease. Therefore, it has been classified as a Variant of Uncertain Significance.

GeneDx
Classification: Uncertain significance. Last evaluated: 2024-04-04. Review status: criteria provided, single submitter. Criteria: GeneDx Variant Classification Process June 2021. Collection method: clinical testing. Allele origin: germline. Affected: yes.
Comment: Has not been previously published as pathogenic or benign to our knowledge; Not observed at significant frequency in large population cohorts (gnomAD); In silico analysis supports a deleterious effect on splicing

All of Us Research Program, National Institutes of Health
Classification: Uncertain significance for Catecholaminergic polymorphic ventricular tachycardia. Last evaluated: 2024-03-25. Review status: criteria provided, single submitter. Criteria: ACMG Guidelines, 2015. Collection method: clinical testing. Allele origin: germline. Inheritance: Autosomal dominant inheritance. Observed: 2 variant alleles, 2 heterozygotes.
Comment: This variant causes an A to G nucleotide substitution at the +3 position of intron 65 of the RYR2 gene. To our knowledge, functional studies have not been reported for this variant. This variant has not been reported in individuals affected with RYR2-related disorders in the literature. This variant has been identified in 2/182778 chromosomes in the general population by the Genome Aggregation Database (gnomAD). The available evidence is insufficient to determine the role of this variant in disease conclusively. Therefore, this variant is classified as a Variant of Uncertain Significance.

This study involves interpretation of variants in research participants for the purpose of population health screening. Participant phenotype was not available at the time of variant classification. Additional details can be found in publication PMID: 35346344, PMCID: PMC8962531

Color Diagnostics, LLC DBA Color Health
Classification: Uncertain significance for Cardiomyopathy. Last evaluated: 2024-02-15. Review status: criteria provided, single submitter. Criteria: ACMG Guidelines, 2015. Collection method: clinical testing. Allele origin: germline.
Comment: This variant causes an A to G nucleotide substitution at the +3 position of intron 65 of the RYR2 gene. To our knowledge, functional studies have not been reported for this variant. This variant has not been reported in individuals affected with RYR2-related disorders in the literature. This variant has been identified in 2/182778 chromosomes in the general population by the Genome Aggregation Database (gnomAD). The available evidence is insufficient to determine the role of this variant in disease conclusively. Therefore, this variant is classified as a Variant of Uncertain Significance.

Literature cited by the submitters: PubMed 17576681 (cited by Labcorp Genetics (formerly Invitae), Labcorp); PubMed 9536098 (cited by Labcorp Genetics (formerly Invitae), Labcorp).

NM_001035.3(RYR2):c.9367+3A>G

Gene: RYR2 (ryanodine receptor 2; plus strand). Cytogenetic location: 1q43.
Variant type: single nucleotide variant.
Coding change: c.9367+3A>G on transcript NM_001035.3 (MANE Select); 3 bases into the intron after coding-DNA position 9367, A replaced by G.
Molecular consequence: intron variant.
Genome position (GRCh38, 1-based): chr1:237,700,470, A>G. VCF-style: chr1-237700470-A-G. GRCh37 (hg19) VCF-style: chr1-237863770-A-G.
Identifiers: ClinVar variation 918381 (VCV000918381.9), dbSNP rs767212566, ClinGen allele CA087874.